The following is an entry in ClinVar:

NM_130468.4(CHST14):c.612G>T (p.Gln204His)

Gene: CHST14 (carbohydrate sulfotransferase 14; plus strand). Cytogenetic location: 15q15.1.
Variant type: single nucleotide variant.
Coding change: c.612G>T on transcript NM_130468.4 (MANE Select); coding-DNA position 612, G replaced by T.
Protein change: p.Gln204His; replaces glutamine 204 with histidine.
Molecular consequence: missense variant.
Genome position (GRCh38, 1-based): chr15:40,471,825, G>T. VCF-style: chr15-40471825-G-T. GRCh37 (hg19) VCF-style: chr15-40764024-G-T.
Other names: c.612G>T (NM_130468.3); short protein forms Q204H.
Identifiers: ClinVar variation 1046240 (VCV001046240.9), dbSNP rs1894353008, ClinGen allele CA391766413.

ClinVar aggregate classification (germline): Uncertain significance. Review status: criteria provided, multiple submitters, no conflicts (2 of 4 stars). 2 submissions from 2 submitters: Uncertain significance (2). Last evaluated 2024-05-11.

Conditions:
Ehlers-Danlos syndrome, musculocontractural type (EDSMC). Also called: ARTHROGRYPOSIS, DISTAL, WITH PECULIAR FACIES AND HYDRONEPHROSIS; ADDUCTED THUMB-CLUBFOOT SYNDROME; DUNDAR SYNDROME; Adducted thumb, clubfoot, progressive joint and skin laxity syndrome. Identifiers: Orphanet 2953, MedGen C1866294, MONDO:0011142.
Cardiovascular phenotype. Identifiers: MedGen CN230736.

Submissions (2):

Ambry Genetics
Classification: Uncertain significance for Cardiovascular phenotype. Last evaluated: 2024-05-11. Review status: criteria provided, single submitter. Criteria: Ambry Variant Classification Scheme 2023. Collection method: clinical testing. Allele origin: germline.
Comment: The p.Q204H variant (also known as c.612G>T), located in coding exon 1 of the CHST14 gene, results from a G to T substitution at nucleotide position 612. The glutamine at codon 204 is replaced by histidine, an amino acid with highly similar properties. This amino acid position is conserved. In addition, this alteration is predicted to be tolerated by in silico analysis. Based on the available evidence, the clinical significance of this variant remains unclear.

Labcorp Genetics (formerly Invitae), Labcorp
Classification: Uncertain significance for Ehlers-Danlos syndrome, musculocontractural type. Last evaluated: 2020-08-14. Review status: criteria provided, single submitter. Criteria: Invitae Variant Classification Sherloc (09022015). Collection method: clinical testing. Allele origin: germline.
Comment: This sequence change replaces glutamine with histidine at codon 204 of the CHST14 protein (p.Gln204His). The glutamine residue is moderately conserved and there is a small physicochemical difference between glutamine and histidine. In summary, the available evidence is currently insufficient to determine the role of this variant in disease. Therefore, it has been classified as a Variant of Uncertain Significance. Algorithms developed to predict the effect of missense changes on protein structure and function are either unavailable or do not agree on the potential impact of this missense change (SIFT: "Tolerated"; PolyPhen-2: "Possibly Damaging"; Align-GVGD: "Class C0"). This variant has not been reported in the literature in individuals with CHST14-related conditions. This variant is not present in population databases (ExAC no frequency).